The following is an entry in ClinVar:

ClinVar aggregate classification (germline): Likely benign. Review status: criteria provided, multiple submitters, no conflicts (2 of 4 stars). 2 submissions from 2 submitters: Likely benign (2). Last evaluated 2025-12-02.

Conditions:
Pyruvate carboxylase deficiency. Also called: ATAXIA WITH LACTIC ACIDOSIS II; Pyruvate Carboxylase Deficiency Disease; LEIGH NECROTIZING ENCEPHALOPATHY DUE TO PYRUVATE CARBOXYLASE DEFICIENCY; LEIGH SYNDROME DUE TO PYRUVATE CARBOXYLASE DEFICIENCY; PC DEFICIENCY. Identifiers: Orphanet 3008, MedGen C0034341, MONDO:0009949, OMIM 266150.

Allele frequency attached by ClinVar (database versions not stated): gnomAD 0.00003 and 0.00004; TOPMed 0.00003; gnomAD exomes 0.00008; ExAC 0.00010.
gnomAD v4.1: 79 of 1,612,888 alleles (0.0049%); highest among the groups gnomAD compares: South Asian, 0.061%; no homozygotes.

Submissions (2):

Labcorp Genetics (formerly Invitae), Labcorp
Classification: Likely benign for Pyruvate carboxylase deficiency. Last evaluated: 2025-12-02. Review status: criteria provided, single submitter. Criteria: Invitae Variant Classification Sherloc (09022015). Collection method: clinical testing. Allele origin: germline.

GeneDx
Classification: Likely benign. Last evaluated: 2018-05-17. Review status: criteria provided, single submitter. Criteria: GeneDx Variant Classification (06012015). Collection method: clinical testing. Allele origin: germline. Affected: yes.
Comment: This variant is considered likely benign or benign based on one or more of the following criteria: it is a conservative change, it occurs at a poorly conserved position in the protein, it is predicted to be benign by multiple in silico algorithms, and/or has population frequency not consistent with disease.

NM_001040716.2(PC):c.752-5C>T

Gene: PC (pyruvate carboxylase; minus strand). Cytogenetic location: 11q13.2.
Variant type: single nucleotide variant.
Coding change: c.752-5C>T on transcript NM_001040716.2 (MANE Select); 5 bases into the intron before coding-DNA position 752, C replaced by T.
Molecular consequence: intron variant.
Genome position (GRCh38, 1-based): chr11:66,870,458, G>A on the plus strand (C>T on the coding strand, the complement: PC is on the minus strand). VCF-style: chr11-66870458-G-A. GRCh37 (hg19) VCF-style: chr11-66637929-G-A.
Other names: c.752-5C>T (NM_000920.4, NM_022172.3).
Identifiers: ClinVar variation 682521 (VCV000682521.11), dbSNP rs770994083, ClinGen allele CA6132109.